The following is an entry in ClinVar:

NM_058246.4(DNAJB6):c.467del (p.Ser156fs)

Gene: DNAJB6 (DnaJ heat shock protein family (Hsp40) member B6; plus strand). Cytogenetic location: 7q36.3.
Variant type: Deletion.
Coding change: c.467del on transcript NM_058246.4 (MANE Select); coding-DNA position 467, one base deleted (C; older notation c.467delC).
Protein change: p.Ser156fs; shifts the reading frame from serine 156.
Molecular consequence: frameshift variant. On other transcripts: intron variant (1).
Genome position (GRCh38, 1-based): chr7:157,382,366, C deleted. VCF-style (leftmost placement, unchanged base first): chr7-157382365-TC-T. GRCh37 (hg19) VCF-style: chr7-157175059-TC-T.
Other names: c.467del, p.Ser156fs (NM_005494.3); c.346+14883del (NM_001363676.1); short protein forms S156fs.
Identifiers: ClinVar variation 3644986 (VCV003644986.2).

ClinVar aggregate classification (germline): Uncertain significance (1 of 4 stars; one submission).

Conditions:
Autosomal dominant limb-girdle muscular dystrophy type 1D (DNAJB6) (LGMDD1). Also called: MUSCULAR DYSTROPHY, LIMB-GIRDLE, TYPE 1D; MUSCULAR DYSTROPHY, AUTOSOMAL DOMINANT, WITH RIMMED VACUOLES; Autosomal dominant limb-girdle muscular dystrophy type 1D; Muscular dystrophy, limb-girdle, autosomal dominant 1. Identifiers: Orphanet 34516, MedGen C4721885, MONDO:0021018, OMIM 603511.

Submission:

Labcorp Genetics (formerly Invitae), Labcorp
Classification: Uncertain significance for Autosomal dominant limb-girdle muscular dystrophy type 1D (DNAJB6). Last evaluated: 2024-03-07. Review status: criteria provided, single submitter. Criteria: Invitae Variant Classification Sherloc (09022015). Collection method: clinical testing. Allele origin: germline.
Comment: This sequence change creates a premature translational stop signal (p.Ser156Phefs*12) in the DNAJB6 gene. It is expected to result in an absent or disrupted protein product. However, the current clinical and genetic evidence is not sufficient to establish whether loss-of-function variants in DNAJB6 cause disease. This variant is not present in population databases (gnomAD no frequency). This variant has not been reported in the literature in individuals affected with DNAJB6-related conditions. In summary, the available evidence is currently insufficient to determine the role of this variant in disease. Therefore, it has been classified as a Variant of Uncertain Significance.